The following is an entry in ClinVar:

NM_020975.6(RET):c.2939+5G>A

Gene: RET (ret proto-oncogene; plus strand). Cytogenetic location: 10q11.21.
Variant type: single nucleotide variant.
Coding change: c.2939+5G>A on transcript NM_020975.6 (MANE Select); 5 bases into the intron after coding-DNA position 2939, G replaced by A.
Molecular consequence: intron variant.
Genome position (GRCh38, 1-based): chr10:43,123,813, G>A. VCF-style: chr10-43123813-G-A. GRCh37 (hg19) VCF-style: chr10-43619261-G-A.
Other names: c.2939+5G>A (NM_020630.7, NM_001406743.1, NM_001406744.1 and 2 more transcripts); c.2804+5G>A (NM_001406765.1, NM_001406763.1); c.2543+5G>A (NM_001406772.1, NM_001406769.1); c.2501+5G>A (NM_001406773.1, NM_001406771.1); c.2042+5G>A (NM_001406782.1, NM_001406780.1, NM_001406779.1 and 1 more transcripts); c.1907+5G>A (NM_001406787.1); c.1922+5G>A (NM_001406785.1); c.2810+5G>A (NM_001406764.1, NM_001406762.1, NM_001406761.1); and 10 more.
Identifiers: ClinVar variation 2632146 (VCV002632146.1), dbSNP rs2538617530, ClinGen allele CA2695199468.

ClinVar aggregate classification (germline): Uncertain significance (1 of 4 stars; one submission).

Conditions:
RET-related disorder. Also called: RET-related condition; RET-related disease; RET-related disorders.

Submission:

PreventionGenetics, part of Exact Sciences
Classification: Uncertain significance for RET-related condition. Last evaluated: 2023-06-07. Review status: criteria provided, single submitter. Criteria: ACMG Guidelines, 2015. Collection method: clinical testing. Allele origin: germline.
Comment: The RET c.2939+5G>A variant is predicted to interfere with splicing. This variant (also known as 3134+5G>A) was reported in a family of individuals presenting with Hirschsprung disease. However, penetrance was apparently incomplete (5/8) (Table 2, Attie et al. 1995. PubMed ID: 7581377). This variant has not been reported in a large population database, indicating this variant is rare. While we suspect that this variant is pathogenic, at this time we interpret its clinical significance as uncertain due to the absence of conclusive functional and genetic evidence.